The following is an entry in ClinVar:

NM_177438.3(DICER1):c.2381C>G (p.Pro794Arg)

Gene: DICER1 (dicer 1, ribonuclease III; minus strand). Cytogenetic location: 14q32.13.
Variant type: single nucleotide variant.
Coding change: c.2381C>G on transcript NM_177438.3 (MANE Select); coding-DNA position 2381, C replaced by G.
Protein change: p.Pro794Arg; replaces proline 794 with arginine.
Molecular consequence: missense variant. On other transcripts: non-coding transcript variant (6).
Genome position (GRCh38, 1-based): chr14:95,108,379, G>C on the plus strand (C>G on the coding strand, the complement: DICER1 is on the minus strand). VCF-style: chr14-95108379-G-C. GRCh37 (hg19) VCF-style: chr14-95574716-G-C.
Other names: c.2381C>G, p.Pro794Arg (NM_001291628.2, NM_001195573.1, NM_001271282.3 and 12 more transcripts); c.2099C>G, p.Pro700Arg (NM_001395686.1); c.1976C>G, p.Pro659Arg (NM_001395687.1, NM_001395688.1, NM_001395689.1 and 2 more transcripts); c.1814C>G, p.Pro605Arg (NM_001395691.1); c.698C>G, p.Pro233Arg (NM_001395697.1); short protein forms P233R, P605R, P659R, P700R, P794R.
Identifiers: ClinVar variation 3501839 (VCV003501839.1).

ClinVar aggregate classification (germline): Uncertain significance (1 of 4 stars; one submission).

Conditions:
Hereditary cancer-predisposing syndrome. Also called: Tumor predisposition; Neoplastic Syndromes, Hereditary; Hereditary Cancer Syndrome; Hereditary neoplastic syndrome. Identifiers: Orphanet 140162, MedGen C0027672, MeSH D009386, MONDO:0015356.

Submission:

Ambry Genetics
Classification: Uncertain significance for Hereditary cancer-predisposing syndrome. Last evaluated: 2024-06-29. Review status: criteria provided, single submitter. Criteria: Ambry Variant Classification Scheme 2023. Collection method: clinical testing. Allele origin: germline.
Comment: The p.P794R variant (also known as c.2381C>G), located in coding exon 14 of the DICER1 gene, results from a C to G substitution at nucleotide position 2381. The proline at codon 794 is replaced by arginine, an amino acid with dissimilar properties. This amino acid position is conserved. In addition, this alteration is predicted to be deleterious by in silico analysis. Based on the available evidence, the clinical significance of this variant remains unclear.